The following is an entry in ClinVar:

NM_001282684.2(KCTD17):c.535G>A (p.Glu179Lys)

Gene: KCTD17 (potassium channel tetramerization domain containing 17; plus strand). Cytogenetic location: 22q12.3.
Variant type: single nucleotide variant.
Coding change: c.535G>A on transcript NM_001282684.2 (MANE Select); coding-DNA position 535, G replaced by A.
Protein change: p.Glu179Lys; replaces glutamic acid 179 with lysine.
Molecular consequence: missense variant.
Genome position (GRCh38, 1-based): chr22:37,059,361, G>A. VCF-style: chr22-37059361-G-A. GRCh37 (hg19) VCF-style: chr22-37455401-G-A.
Other names: c.535G>A, p.Glu179Lys (NM_001282685.2, NM_001282686.2, NM_024681.4); short protein forms E186K, E179K.
Identifiers: ClinVar variation 665524 (VCV000665524.8), dbSNP rs6000546, ClinGen allele CA324036164.

ClinVar aggregate classification (germline): Uncertain significance (1 of 4 stars; one submission).

Conditions:
Myoclonic dystonia 26. Identifiers: MedGen C4225341, MONDO:0014620, OMIM 616398.

Submission:

Labcorp Genetics (formerly Invitae), Labcorp
Classification: Uncertain significance for Myoclonic dystonia 26. Last evaluated: 2018-12-12. Review status: criteria provided, single submitter. Criteria: Invitae Variant Classification Sherloc (09022015). Collection method: clinical testing. Allele origin: germline.
Comment: This sequence change replaces glutamic acid with lysine at codon 186 of the KCTD17 protein (p.Glu186Lys). The glutamic acid residue is highly conserved and there is a small physicochemical difference between glutamic acid and lysine. This variant is not present in population databases (ExAC no frequency). This variant has not been reported in the literature in individuals with KCTD17-related conditions. Algorithms developed to predict the effect of missense changes on protein structure and function (SIFT, PolyPhen-2, Align-GVGD) all suggest that this variant is likely to be disruptive, but these predictions have not been confirmed by published functional studies and their clinical significance is uncertain. In summary, the available evidence is currently insufficient to determine the role of this variant in disease. Therefore, it has been classified as a Variant of Uncertain Significance.